The following is an entry in ClinVar:

NM_170606.3(KMT2C):c.6430_6438dup (p.Ser2146_Gln2147insSerTyrSer)

Gene: KMT2C (lysine methyltransferase 2C; minus strand). Cytogenetic location: 7q36.1.
Variant type: Duplication.
Coding change: c.6430_6438dup on transcript NM_170606.3 (MANE Select); coding-DNA positions 6430 to 6438, 9 bases duplicated (TCTTATTCC; older notation c.6430_6438dupTCTTATTCC).
Protein change: p.Ser2146_Gln2147insSerTyrSer.
Molecular consequence: inframe insertion.
Genome position (GRCh38, 1-based): chr7:152,181,422-152,181,430, GGAATAAGA duplicated on the plus strand (TCTTATTCC on the coding strand, the reverse complement: KMT2C is on the minus strand). VCF-style (leftmost placement, unchanged base first): chr7-152181421-G-GGGAATAAGA. GRCh37 (hg19) VCF-style: chr7-151878506-G-GGGAATAAGA.
Identifiers: ClinVar variation 2074582 (VCV002074582.17), dbSNP rs555421470, ClinGen allele CA4580074.
Genomic context (GRCh38, chr7:152,181,421, plus strand): 5'-GGGGAGTTCCAGGAGGTTGAGAGTAAGGGTCTGTATTGGACCTAGCTGTTCCTGAAGATT[G>GGGAATAAGA]GGAATAAGAATCTACAACAGGTCGTGGAGTTCCTGGGGGTTGGGAGTATGGGTCCTGAGA-3'

ClinVar aggregate classification (germline): Conflicting classifications of pathogenicity. Review status: criteria provided, conflicting classifications (1 of 4 stars). 2 submissions from 2 submitters: Uncertain significance (1); Likely benign (1). Last evaluated 2025-02-01.

Allele frequency attached by ClinVar (database versions not stated): ExAC 0.00002; gnomAD 0.00004; TOPMed 0.00005; gnomAD exomes 0.00012.

Submissions (2):

CeGaT Center for Human Genetics Tuebingen
Classification: Likely benign. Last evaluated: 2025-02-01. Review status: criteria provided, single submitter. Criteria: CeGaT Center For Human Genetics Tuebingen Variant Classification Criteria Version 2. Collection method: clinical testing. Allele origin: germline. Affected: yes. Observed: 1 variant allele.
Comment: KMT2C: PM4, BS2

Labcorp Genetics (formerly Invitae), Labcorp
Classification: Uncertain significance. Last evaluated: 2024-09-05. Review status: criteria provided, single submitter. Criteria: Invitae Variant Classification Sherloc (09022015). Collection method: clinical testing. Allele origin: germline.
Comment: This variant, c.6430_6438dup, results in the insertion of 3 amino acid(s) of the KMT2C protein (p.Ser2144_Ser2146dup), but otherwise preserves the integrity of the reading frame. This variant is present in population databases (rs555421470, gnomAD 0.009%). This variant has not been reported in the literature in individuals affected with KMT2C-related conditions. ClinVar contains an entry for this variant (Variation ID: 2074582). Experimental studies and prediction algorithms are not available or were not evaluated, and the functional significance of this variant is currently unknown. In summary, the available evidence is currently insufficient to determine the role of this variant in disease. Therefore, it has been classified as a Variant of Uncertain Significance.